The following is an entry in ClinVar:

ClinVar aggregate classification (germline): Uncertain significance. Review status: criteria provided, multiple submitters, no conflicts (2 of 4 stars). 6 submissions from 6 submitters: Uncertain significance (6). Last evaluated 2026-03-01.

Conditions:
Spermatogenic failure 18. Identifiers: MedGen C4539783, MONDO:0054615, OMIM 617576.
Ciliary dyskinesia, primary, 37 (CILD37). Also called: CILIARY DYSKINESIA, PRIMARY, 37, WITH OR WITHOUT SITUS INVERSUS. Identifiers: MedGen C4539798, MONDO:0033204, OMIM 617577.

Allele frequency attached by ClinVar (database versions not stated): TOPMed 0.00025; ESP Exome Variant Server 0.00040.
gnomAD v4.1: 506 of 1,613,036 alleles (0.031%); highest among the groups gnomAD compares: East Asian, 0.11%; 1 homozygote.

Submissions (6):

CeGaT Center for Human Genetics Tuebingen
Classification: Uncertain significance. Last evaluated: 2026-03-01. Review status: criteria provided, single submitter. Criteria: CeGaT Center For Human Genetics Tuebingen Variant Classification Criteria Version 2. Collection method: clinical testing. Allele origin: germline. Affected: yes. Observed: 1 variant allele.
Comment: DNAH1: PM2:Supporting, PM3:Supporting, BP4

Blueprint Genetics
Classification: Uncertain significance. Last evaluated: 2024-10-17. Review status: criteria provided, single submitter. Criteria: ACMG Guidelines, 2015. Collection method: clinical testing. Allele origin: germline.

Ambry Genetics
Classification: Uncertain significance. Last evaluated: 2024-09-26. Review status: criteria provided, single submitter. Criteria: Ambry Variant Classification Scheme 2023. Collection method: clinical testing. Allele origin: germline.

Labcorp Genetics (formerly Invitae), Labcorp
Classification: Uncertain significance for Ciliary dyskinesia, primary, 37; Spermatogenic failure 18. Last evaluated: 2022-10-17. Review status: criteria provided, single submitter. Criteria: Invitae Variant Classification Sherloc (09022015). Collection method: clinical testing. Allele origin: germline.
Comment: This sequence change replaces arginine, which is basic and polar, with histidine, which is basic and polar, at codon 425 of the DNAH1 protein (p.Arg425His). This variant is present in population databases (rs200951874, gnomAD 0.05%). This variant has not been reported in the literature in individuals affected with DNAH1-related conditions. ClinVar contains an entry for this variant (Variation ID: 838756). Algorithms developed to predict the effect of missense changes on protein structure and function output the following: SIFT: "Deleterious"; PolyPhen-2: "Benign"; Align-GVGD: "Class C0". The histidine amino acid residue is found in multiple mammalian species, which suggests that this missense change does not adversely affect protein function. In summary, the available evidence is currently insufficient to determine the role of this variant in disease. Therefore, it has been classified as a Variant of Uncertain Significance.

Johns Hopkins Genomics, Johns Hopkins University
Classification: Uncertain significance for Ciliary dyskinesia, primary, 37. Last evaluated: 2021-08-27. Review status: criteria provided, single submitter. Criteria: ACMG Guidelines, 2015. Collection method: clinical testing. Allele origin: germline.
Comment: This DNAH1 variant (rs200951874) is rare (<0.1%) in a large population dataset (gnomAD: 64/277342 total alleles; 0.023%; no homozygotes) and has been reported in ClinVar (Variation ID: 838756). It has not been reported in the literature, to our knowledge. Of three bioinformatics tools queried, one predicts that the substitution would be damaging, while two predict that it would be tolerated. The arginine residue at this position is evolutionarily conserved across most species assessed, however a histidine is present in three species. We consider the clinical significance of DNAH1 c.1274G>A to be uncertain at this time.

Fulgent Genetics
Classification: Uncertain significance for Spermatogenic failure 18; Ciliary dyskinesia, primary, 37. Last evaluated: 2021-07-28. Review status: criteria provided, single submitter. Criteria: ACMG Guidelines, 2015. Collection method: clinical testing. Allele origin: unknown.

Literature cited by the submitters: PubMed 24360805 (cited by Johns Hopkins Genomics, Johns Hopkins University).

NM_015512.5(DNAH1):c.1274G>A (p.Arg425His)

Gene: DNAH1 (dynein axonemal heavy chain 1; plus strand). Cytogenetic location: 3p21.1.
Variant type: single nucleotide variant.
Coding change: c.1274G>A on transcript NM_015512.5 (MANE Select); coding-DNA position 1274, G replaced by A.
Protein change: p.Arg425His; replaces arginine 425 with histidine.
Molecular consequence: missense variant.
Genome position (GRCh38, 1-based): chr3:52,332,382, G>A. VCF-style: chr3-52332382-G-A. GRCh37 (hg19) VCF-style: chr3-52366398-G-A.
Other names: short protein forms R425H.
Identifiers: ClinVar variation 838756 (VCV000838756.13), dbSNP rs200951874, ClinGen allele CA2432914.